The following is an entry in ClinVar:

ClinVar aggregate classification (germline): Uncertain significance (1 of 4 stars; one submission).

Conditions:
Autosomal recessive limb-girdle muscular dystrophy type 2A (LGMDR1). Also called: Limb-girdle muscular dystrophy, type 2A; Calpainopathy; LEYDEN-MOEBIUS MUSCULAR DYSTROPHY; MUSCULAR DYSTROPHY, PELVOFEMORAL; Muscular dystrophy, limb-girdle, type 2A, Amish. Identifiers: Orphanet 267, MedGen C1869123, MONDO:0009675, OMIM 253600. Disease mechanism: loss of function.

Submission:

Labcorp Genetics (formerly Invitae), Labcorp
Classification: Uncertain significance for Autosomal recessive limb-girdle muscular dystrophy type 2A. Last evaluated: 2026-01-06. Review status: criteria provided, single submitter. Criteria: Invitae Variant Classification Sherloc (09022015). Collection method: clinical testing. Allele origin: germline.
Comment: This variant, c.1712_1714del, results in the deletion of 1 amino acid(s) of the CAPN3 protein (p.Leu571del), but otherwise preserves the integrity of the reading frame. This variant is not present in population databases (gnomAD no frequency). This variant has been observed in individual(s) with limb-girdle muscular dystrophy (internal data). In at least one individual the data is consistent with being in trans (on the opposite chromosome) from a pathogenic variant. Experimental studies and prediction algorithms are not available or were not evaluated, and the functional significance of this variant is currently unknown. In summary, the available evidence is currently insufficient to determine the role of this variant in disease. Therefore, it has been classified as a Variant of Uncertain Significance.

NM_000070.3(CAPN3):c.1709TCC[1] (p.Leu571del)

Gene: CAPN3 (calpain 3; plus strand). Cytogenetic location: 15q15.1.
Variant type: Microsatellite.
Coding change: c.1709TCC[1] on transcript NM_000070.3 (MANE Select); one copy of the 3-base unit TCC starting at c.1709; the reference has two copies in a row; one copy, 3 bases deleted.
Protein change: p.Leu571del; deletes leucine 571.
Molecular consequence: inframe deletion.
Genome position (GRCh38, 1-based): chr15:42,402,969-42,402,971, TCC deleted; deleting any 3 consecutive bases within chr15:42,402,966-42,402,971 gives the same sequence; the position shown is the placement nearest the transcript's 3' end. VCF-style (leftmost placement, unchanged base first): chr15-42402965-ATCC-A. GRCh37 (hg19) VCF-style: chr15-42695163-ATCC-A.
Other names: c.173TCC[1], p.Leu59del (NM_173088.2); c.1709TCC[1], p.Leu571del (NM_024344.2); c.1565TCC[1], p.Leu523del (NM_173087.2); short protein forms L59del, L523del, L571del.
Identifiers: ClinVar variation 4729972 (VCV004729972.1).
Genomic context (GRCh38, chr15:42,402,965, plus strand): 5'-CCTCCCAGCGAGTACGTCATCGTGCCCTCCACCTACGAGCCCCACCAGGAGGGGGAATTC[ATCC>A]TCCGGGTCTTCTCTGAAAAGAGGAACCTCTCTGAGTGAGTGCTGGCCCAGCTTTCCCACG-3'